The following is an entry in ClinVar:

NM_001103.4(ACTN2):c.827A>T (p.Asn276Ile)

Gene: ACTN2 (actinin alpha 2; plus strand). Cytogenetic location: 1q43.
Variant type: single nucleotide variant.
Coding change: c.827A>T on transcript NM_001103.4 (MANE Select); coding-DNA position 827, A replaced by T.
Protein change: p.Asn276Ile; replaces asparagine 276 with isoleucine.
Molecular consequence: missense variant.
Genome position (GRCh38, 1-based): chr1:236,737,165, A>T. VCF-style: chr1-236737165-A-T. GRCh37 (hg19) VCF-style: chr1-236900465-A-T.
Other names: c.827A>T, p.Asn276Ile (NM_001278343.2); c.203A>T, p.Asn68Ile (NM_001278344.2); c.77A>T, p.Asn26Ile (NM_001412150.1); short protein forms N26I, N276I, N68I.
Identifiers: ClinVar variation 1947748 (VCV001947748.5), dbSNP rs1251167126, ClinGen allele CA345378903.
Genomic context (GRCh38, chr1:236,737,165, plus strand): 5'-CCTATTGTGTTTTACAGGCCGAGACAGCGGCTAACAGGATATGTAAGGTTCTTGCTGTGA[A>T]TCAAGAGAATGAGAGGCTGATGGAAGAATATGAGAGGCTAGCGAGTGAGGTAAAGGAAAC-3'
Protein context (NP_001094.1, residues 266-286): ANRICKVLAV[Asn276Ile]QENERLMEEY

ClinVar aggregate classification (germline): Uncertain significance (1 of 4 stars; one submission).

Conditions:
Dilated cardiomyopathy 1AA (CMD1AA). Also called: Cardiomyopathy, dilated, 1AA, with or without LVNC; CARDIOMYOPATHY, DILATED, 1AA, WITH OR WITHOUT LEFT VENTRICULAR NONCOMPACTION; CARDIOMYOPATHY, FAMILIAL HYPERTROPHIC, 23, WITH OR WITHOUT LEFT VENTRICULAR NONCOMPACTION. Identifiers: Orphanet 154, MedGen C2677338, MONDO:0012808, OMIM 612158.
Primary familial hypertrophic cardiomyopathy (HCM). Identifiers: Orphanet 99739, MedGen C0949658, MeSH D024741, MONDO:0024573. Inheritance: Various modes of inheritance.

Submission:

Labcorp Genetics (formerly Invitae), Labcorp
Classification: Uncertain significance for Primary familial hypertrophic cardiomyopathy; Dilated cardiomyopathy 1AA. Last evaluated: 2022-10-20. Review status: criteria provided, single submitter. Criteria: Invitae Variant Classification Sherloc (09022015). Collection method: clinical testing. Allele origin: germline.
Comment: This sequence change replaces asparagine, which is neutral and polar, with isoleucine, which is neutral and non-polar, at codon 276 of the ACTN2 protein (p.Asn276Ile). This variant is not present in population databases (gnomAD no frequency). This variant has not been reported in the literature in individuals affected with ACTN2-related conditions. Advanced modeling of protein sequence and biophysical properties (such as structural, functional, and spatial information, amino acid conservation, physicochemical variation, residue mobility, and thermodynamic stability) performed at Invitae indicates that this missense variant is not expected to disrupt ACTN2 protein function. In summary, the available evidence is currently insufficient to determine the role of this variant in disease. Therefore, it has been classified as a Variant of Uncertain Significance.